The following is an entry in ClinVar:

ClinVar aggregate classification (germline): Uncertain significance (1 of 4 stars; one submission).

Allele frequency attached by ClinVar (database versions not stated): gnomAD exomes below 0.00001; ExAC 0.00001; TOPMed 0.00002; gnomAD 0.00001.
gnomAD v4.1: 5 of 1,609,918 alleles (0.00031%); highest among the groups gnomAD compares: African/African-American, 0.0067%; no homozygotes.

Submission:

Labcorp Genetics (formerly Invitae), Labcorp
Classification: Uncertain significance. Last evaluated: 2025-11-19. Review status: criteria provided, single submitter. Criteria: Invitae Variant Classification Sherloc (09022015). Collection method: clinical testing. Allele origin: germline.
Comment: This sequence change replaces serine, which is neutral and polar, with asparagine, which is neutral and polar, at codon 1767 of the MYH14 protein (p.Ser1767Asn). This variant is present in population databases (rs764244284, gnomAD 0.008%). This variant has not been reported in the literature in individuals affected with MYH14-related conditions. ClinVar contains an entry for this variant (Variation ID: 3018966). Invitae Evidence Modeling of protein sequence and biophysical properties (such as structural, functional, and spatial information, amino acid conservation, physicochemical variation, residue mobility, and thermodynamic stability) indicates that this missense variant is not expected to disrupt MYH14 protein function with a negative predictive value of 80%. In summary, the available evidence is currently insufficient to determine the role of this variant in disease. Therefore, it has been classified as a Variant of Uncertain Significance.

NM_001145809.2(MYH14):c.5423G>A (p.Ser1808Asn)

Gene: MYH14 (myosin heavy chain 14; plus strand). Cytogenetic location: 19q13.33.
Variant type: single nucleotide variant.
Coding change: c.5423G>A on transcript NM_001145809.2 (MANE Select); coding-DNA position 5423, G replaced by A.
Protein change: p.Ser1808Asn; replaces serine 1808 with asparagine.
Molecular consequence: missense variant.
Genome position (GRCh38, 1-based): chr19:50,293,641, G>A. VCF-style: chr19-50293641-G-A. GRCh37 (hg19) VCF-style: chr19-50796898-G-A.
Other names: c.5324G>A, p.Ser1775Asn (NM_001077186.2); c.5300G>A, p.Ser1767Asn (NM_024729.4); short protein forms S1767N, S1775N, S1808N.
Identifiers: ClinVar variation 3018966 (VCV003018966.3), dbSNP rs764244284, ClinGen allele CA9593791.